The following is an entry in ClinVar:

ClinVar aggregate classification (germline): Uncertain significance (1 of 4 stars; one submission).

Conditions:
Agammaglobulinemia 3, autosomal recessive (AGM3). Also called: AGAMMAGLOBULINEMIA 3; AGAMMAGLOBULINEMIA, AUTOSOMAL RECESSIVE, DUE TO CD79A DEFECT. Identifiers: MedGen C3150751, MONDO:0013288, OMIM 613501.

Allele frequency attached by ClinVar (database versions not stated): gnomAD exomes below 0.00001.

Submission:

Labcorp Genetics (formerly Invitae), Labcorp
Classification: Uncertain significance for Agammaglobulinemia 3, autosomal recessive. Last evaluated: 2020-02-17. Review status: criteria provided, single submitter. Criteria: Invitae Variant Classification Sherloc (09022015). Collection method: clinical testing. Allele origin: germline.
Comment: This sequence change replaces asparagine with isoleucine at codon 61 of the CD79A protein (p.Asn61Ile). The asparagine residue is moderately conserved and there is a large physicochemical difference between asparagine and isoleucine. This variant is not present in population databases (ExAC no frequency). This variant has not been reported in the literature in individuals with CD79A-related conditions. Algorithms developed to predict the effect of missense changes on protein structure and function are either unavailable or do not agree on the potential impact of this missense change (SIFT: "Deleterious"; PolyPhen-2: "Possibly Damaging"; Align-GVGD: "Class C0"). In summary, the available evidence is currently insufficient to determine the role of this variant in disease. Therefore, it has been classified as a Variant of Uncertain Significance.

NM_001783.4(CD79A):c.182A>T (p.Asn61Ile)

Genes: CD79A (CD79a molecule; plus strand), RPS19-CD79A (RPS19-CD79A readthrough; plus strand). Cytogenetic location: 19q13.2.
Variant type: single nucleotide variant.
Coding change: c.182A>T on transcript NM_001783.4 (MANE Select); coding-DNA position 182, A replaced by T.
Protein change: p.Asn61Ile; replaces asparagine 61 with isoleucine.
Molecular consequence: missense variant.
Genome position (GRCh38, 1-based): chr19:41,879,092, A>T. VCF-style: chr19-41879092-A-T. GRCh37 (hg19) VCF-style: chr19-42383162-A-T.
Other names: c.182A>T, p.Asn61Ile (NM_021601.4); short protein forms N61I.
Identifiers: ClinVar variation 1014689 (VCV001014689.9), dbSNP rs2074205317, ClinGen allele CA406034290.
Genomic context (GRCh38, chr19:41,879,092, plus strand): 5'-CATTGATGGTGAGCCTGGGGGAAGACGCCCACTTCCAATGCCCGCACAATAGCAGCAACA[A>T]CGCCAACGTCACCTGGTGGCGCGTCCTCCATGGCAACTACACGTGGCCCCCTGAGTTCTT-3'
Protein context (NP_001774.1, residues 51-71): HFQCPHNSSN[Asn61Ile]ANVTWWRVLH